The following is an entry in ClinVar:

NM_024747.6(HPS6):c.563G>C (p.Cys188Ser)

Gene: HPS6 (HPS6 biogenesis of lysosomal organelles complex 2 subunit 3; plus strand). Cytogenetic location: 10q24.32.
Variant type: single nucleotide variant.
Coding change: c.563G>C on transcript NM_024747.6 (MANE Select); coding-DNA position 563, G replaced by C.
Protein change: p.Cys188Ser; replaces cysteine 188 with serine.
Molecular consequence: missense variant.
Genome position (GRCh38, 1-based): chr10:102,066,037, G>C. VCF-style: chr10-102066037-G-C. GRCh37 (hg19) VCF-style: chr10-103825794-G-C.
Other names: short protein forms C188S.
Identifiers: ClinVar variation 1483835 (VCV001483835.8), dbSNP rs1156500061, ClinGen allele CA377858033.

ClinVar aggregate classification (germline): Uncertain significance (1 of 4 stars; one submission).

Submission:

Labcorp Genetics (formerly Invitae), Labcorp
Classification: Uncertain significance. Last evaluated: 2022-03-07. Review status: criteria provided, single submitter. Criteria: Invitae Variant Classification Sherloc (09022015). Collection method: clinical testing. Allele origin: germline.
Comment: This sequence change replaces cysteine, which is neutral and slightly polar, with serine, which is neutral and polar, at codon 188 of the HPS6 protein (p.Cys188Ser). This variant is not present in population databases (gnomAD no frequency). This variant has not been reported in the literature in individuals affected with HPS6-related conditions. Algorithms developed to predict the effect of missense changes on protein structure and function are either unavailable or do not agree on the potential impact of this missense change (SIFT: "Tolerated"; PolyPhen-2: "Possibly Damaging"; Align-GVGD: "Class C0"). In summary, the available evidence is currently insufficient to determine the role of this variant in disease. Therefore, it has been classified as a Variant of Uncertain Significance.